The following is an entry in ClinVar:

ClinVar aggregate classification (germline): Conflicting classifications of pathogenicity. Review status: criteria provided, conflicting classifications (1 of 4 stars). 4 submissions from 4 submitters: Uncertain significance (3); Benign (1). Last evaluated 2023-06-11.

Conditions:
Inborn genetic diseases. Identifiers: MedGen C0950123, MeSH D030342.
Bethlem myopathy 1A. Also called: Bethlem Muscular Dystrophy; MYOPATHY, BENIGN CONGENITAL, WITH CONTRACTURES; Bethlem myopathy 1. Identifiers: Orphanet 610, MedGen CN029274, MONDO:0024530, OMIM 158810.

Allele frequency attached by ClinVar (database versions not stated): gnomAD 0.00003; TOPMed 0.00005.
gnomAD v4.1: 25 of 1,612,106 alleles (0.0016%); highest among the groups gnomAD compares: Admixed American, 0.01%; no homozygotes.

Submissions (4):

Labcorp Genetics (formerly Invitae), Labcorp
Classification: Benign for Bethlem myopathy 1A. Last evaluated: 2023-06-11. Review status: criteria provided, single submitter. Criteria: Invitae Variant Classification Sherloc (09022015). Collection method: clinical testing. Allele origin: germline.

Ambry Genetics
Classification: Uncertain significance for Inborn genetic diseases. Last evaluated: 2022-12-13. Review status: criteria provided, single submitter. Criteria: Ambry Variant Classification Scheme 2023. Collection method: clinical testing. Allele origin: germline.

Baylor Genetics
Classification: Uncertain significance for Bethlem myopathy 1A. Last evaluated: 2019-05-05. Review status: criteria provided, single submitter. Criteria: ACMG Guidelines, 2015. Collection method: clinical testing. Allele origin: unknown. Affected: yes.
Comment: This variant was determined to be of uncertain significance according to ACMG Guidelines, 2015 [PMID:25741868].

Revvity Omics, Revvity
Classification: Uncertain significance. Last evaluated: 2019-02-06. Review status: criteria provided, single submitter. Criteria: ACMG Guidelines, 2015. Collection method: clinical testing. Allele origin: germline.

NM_001848.3(COL6A1):c.1960G>A (p.Glu654Lys)

Gene: COL6A1 (collagen type VI alpha 1 chain; plus strand). Cytogenetic location: 21q22.3.
Variant type: single nucleotide variant.
Coding change: c.1960G>A on transcript NM_001848.3 (MANE Select); coding-DNA position 1960, G replaced by A.
Protein change: p.Glu654Lys; replaces glutamic acid 654 with lysine.
Molecular consequence: missense variant.
Genome position (GRCh38, 1-based): chr21:46,001,964, G>A. VCF-style: chr21-46001964-G-A. GRCh37 (hg19) VCF-style: chr21-47421878-G-A.
Other names: short protein forms E654K.
Identifiers: ClinVar variation 1027968 (VCV001027968.9), dbSNP rs375318905, ClinGen allele CA10070701.